The following is an entry in ClinVar:

NM_007294.4(BRCA1):c.752_766del (p.Lys251_Glu255del)

Gene: BRCA1 (BRCA1 DNA repair associated; minus strand). Cytogenetic location: 17q21.31.
Variant type: Deletion.
Coding change: c.752_766del on transcript NM_007294.4 (MANE Select); coding-DNA positions 752 to 766, 15 bases deleted (AGCGTGCAGCTGAGA).
Protein change: p.Lys251_Glu255del.
Molecular consequence: inframe deletion. On other transcripts: inframe indel (350), non-coding transcript variant (1).
Genome position (GRCh38, 1-based): chr17:43,094,765-43,094,779, TCTCAGCTGCACGCT deleted on the plus strand (AGCGTGCAGCTGAGA on the coding strand, the reverse complement: BRCA1 is on the minus strand); deleting any 15 consecutive bases within chr17:43,094,765-43,094,785 gives the same sequence; the c. name uses the placement nearest the transcript's 3' end. VCF-style (leftmost placement, unchanged base first): chr17-43094764-CTCTCAGCTGCACGCT-C. GRCh37 (hg19) VCF-style: chr17-41246781-CTCTCAGCTGCACGCT-C.
Other names: c.752_766del15 (NM_007294.3); c.533_547delCTGAGAAGCGTGCAG, p.Lys180_Glu184del (NM_001407571.1, NM_001407853.1, NM_001407894.1 and 12 more transcripts); c.746_760delCTGAGAAGCGTGCAG, p.Lys251_Glu255del (NM_001407581.1, NM_001407582.1, NM_001407583.1 and 52 more transcripts); c.743_757delCTGAGAAGCGTGCAG, p.Lys250_Glu254del (NM_001407587.1, NM_001407590.1, NM_001407591.1 and 38 more transcripts); c.737_751delCTGAGAAGCGTGCAG, p.Lys248_Glu252del (NM_001407646.1, NM_001407647.1, NM_001408408.1); c.623_637delCTGAGAAGCGTGCAG, p.Lys210_Glu214del (NM_001407648.1, NM_001407664.1, NM_001407665.1 and 34 more transcripts); c.620_634delCTGAGAAGCGTGCAG, p.Lys209_Glu213del (NM_001407649.1, NM_001407670.1, NM_001407671.1 and 20 more transcripts); c.668_682delCTGAGAAGCGTGCAG, p.Lys225_Glu229del (NM_001407653.1, NM_001407654.1, NM_001407655.1 and 9 more transcripts); and 17 more.
Identifiers: ClinVar variation 1412695 (VCV001412695.10), dbSNP rs2154493642, ClinGen allele CA2573154064.

ClinVar aggregate classification (germline): Uncertain significance. Review status: criteria provided, multiple submitters, no conflicts (2 of 4 stars). 4 submissions from 4 submitters: Uncertain significance (4). Last evaluated 2024-11-26.

Conditions:
Hereditary breast ovarian cancer syndrome. Also called: Hereditary breast and ovarian cancer; Hereditary breast and/or ovarian cancer syndrome; Breast and ovarian cancer; BRCA1- and BRCA2-Associated Hereditary Breast and Ovarian Cancer; Hereditary breast and ovarian cancer syndrome (HBOC); Hereditary breast and ovarian cancer syndrome. Identifiers: Orphanet 145, MedGen C0677776, MeSH D061325, MONDO:0003582. Disease mechanism: loss of function.
Hereditary cancer-predisposing syndrome. Also called: Tumor predisposition; Hereditary Cancer Syndrome; Hereditary neoplastic syndrome; Neoplastic Syndromes, Hereditary. Identifiers: Orphanet 140162, MedGen C0027672, MeSH D009386, MONDO:0015356.
Breast-ovarian cancer, familial, susceptibility to, 1 (BROVCA1). Also called: OVARIAN CANCER, SUSCEPTIBILITY TO; BRCA1 Hereditary Breast and Ovarian Cancer. Identifiers: Orphanet 145, MedGen C2676676, MONDO:0011450, OMIM 604370. Disease mechanism: loss of function.

Submissions (4):

Ambry Genetics
Classification: Uncertain significance for Hereditary cancer-predisposing syndrome. Last evaluated: 2024-11-26. Review status: criteria provided, single submitter. Criteria: Ambry Variant Classification Scheme 2023. Collection method: clinical testing. Allele origin: germline.
Comment: The c.752_766del15 variant (also known as p.K251_E255del) is located in coding exon 9 of the BRCA1 gene. This variant results from an in-frame deletion of 15 nucleotides (AGCGTGCAGCTGAGA) at positions 752 to 766. This results in the in-frame deletion of 5 amino acids (KRAAE) at codons 251 to 255. This amino acid region is not well conserved in available vertebrate species. In addition, the in silico prediction for this alteration is inconclusive (Choi Y et al. PLoS ONE. 2012; 7(10):e46688). Based on the available evidence, the clinical significance of this variant remains unclear.

German Consortium for Hereditary Breast and Ovarian Cancer, University Hospital Cologne
Classification: Uncertain significance for Hereditary breast ovarian cancer syndrome. Last evaluated: 2024-04-09. Review status: criteria provided, single submitter. Criteria: ClinGen BRCA1 V1.0.0. Collection method: curation. Allele origin: germline.
Comment: According to the ClinGen ENIGMA BRCA1 v1.0.0 criteria we chose these criteria: PM2 (supporting pathogenic): not in gnomAD V4.0, PP3 (supporting pathogenic): Apply PP3 for predicted splicing (SpliceAI ≥0.2) for silent, missense/in-frame (irrespective of location in clinically important functional domain) and for intronic variants outside of donor and acceptor 1,2 sites

Baylor Genetics
Classification: Uncertain significance for Breast-ovarian cancer, familial, susceptibility to, 1. Last evaluated: 2023-05-24. Review status: criteria provided, single submitter. Criteria: ACMG Guidelines, 2015. Collection method: clinical testing. Allele origin: unknown.

Labcorp Genetics (formerly Invitae), Labcorp
Classification: Uncertain significance for Hereditary breast ovarian cancer syndrome. Last evaluated: 2022-02-19. Review status: criteria provided, single submitter. Criteria: Invitae Variant Classification Sherloc (09022015). Collection method: clinical testing. Allele origin: germline.
Comment: This variant, c.752_766del, results in the deletion of 5 amino acid(s) of the BRCA1 protein (p.Lys251_Glu255del), but otherwise preserves the integrity of the reading frame. This variant is not present in population databases (gnomAD no frequency). This variant has not been reported in the literature in individuals affected with BRCA1-related conditions. Experimental studies and prediction algorithms are not available or were not evaluated, and the functional significance of this variant is currently unknown. Algorithms developed to predict the effect of sequence changes on RNA splicing suggest that this variant may disrupt the consensus splice site. In summary, the available evidence is currently insufficient to determine the role of this variant in disease. Therefore, it has been classified as a Variant of Uncertain Significance.